The following is an entry in ClinVar:

ClinVar aggregate classification (germline): Likely benign. Review status: criteria provided, multiple submitters, no conflicts (2 of 4 stars). 4 submissions from 4 submitters: Likely benign (4). Last evaluated 2025-08-04.

Conditions:
Developmental and epileptic encephalopathy, 69. Also called: EPILEPTIC ENCEPHALOPATHY, EARLY INFANTILE, 69. Identifiers: MedGen C4748988, MONDO:0032657, OMIM 618285.
Inborn genetic diseases. Identifiers: MedGen C0950123, MeSH D030342.

Allele frequency attached by ClinVar (database versions not stated): ExAC 0.00002; gnomAD exomes 0.00002; TOPMed 0.00002; gnomAD 0.00003; ESP Exome Variant Server 0.00008.
gnomAD v4.1: 27 of 1,613,850 alleles (0.0017%); highest among the groups gnomAD compares: Middle Eastern, 0.016%; no homozygotes.

Submissions (4):

Labcorp Genetics (formerly Invitae), Labcorp
Classification: Likely benign. Last evaluated: 2025-08-04. Review status: criteria provided, single submitter. Criteria: Invitae Variant Classification Sherloc (09022015). Collection method: clinical testing. Allele origin: germline.

Genome-Nilou Lab
Classification: Likely benign for Developmental and epileptic encephalopathy, 69. Last evaluated: 2023-04-11. Review status: criteria provided, single submitter. Criteria: ACMG Guidelines, 2015. Collection method: clinical testing. Allele origin: germline. Affected: no.

Ambry Genetics
Classification: Likely benign for Inborn genetic diseases. Last evaluated: 2021-06-17. Review status: criteria provided, single submitter. Criteria: Ambry Variant Classification Scheme 2023. Collection method: clinical testing. Allele origin: germline.

GeneDx
Classification: Likely benign. Last evaluated: 2021-06-16. Review status: criteria provided, single submitter. Criteria: GeneDx Variant Classification Process June 2021. Collection method: clinical testing. Allele origin: germline. Affected: yes.
Comment: This variant is associated with the following publications: (PMID: 31771860)

NM_001205293.3(CACNA1E):c.5258G>A (p.Arg1753Gln)

Gene: CACNA1E (calcium voltage-gated channel subunit alpha1 E; plus strand). Cytogenetic location: 1q25.3.
Variant type: single nucleotide variant.
Coding change: c.5258G>A on transcript NM_001205293.3 (MANE Select); coding-DNA position 5258, G replaced by A.
Protein change: p.Arg1753Gln; replaces arginine 1753 with glutamine.
Molecular consequence: missense variant.
Genome position (GRCh38, 1-based): chr1:181,776,219, G>A. VCF-style: chr1-181776219-G-A. GRCh37 (hg19) VCF-style: chr1-181745355-G-A.
Other names: c.5258G>A (NM_001205293.1); c.5258G>A, p.Arg1753Gln (NM_000721.4); c.5201G>A, p.Arg1734Gln (NM_001205294.2); short protein forms R1734Q, R1753Q.
Identifiers: ClinVar variation 1328657 (VCV001328657.14), dbSNP rs371470806, ClinGen allele CA1276048.